The following is an entry in ClinVar:

NM_005045.4(RELN):c.4145+194A>G

Gene: RELN (reelin; minus strand). Cytogenetic location: 7q22.1.
Variant type: single nucleotide variant.
Coding change: c.4145+194A>G on transcript NM_005045.4 (MANE Select); 194 bases into the intron after coding-DNA position 4145, A replaced by G.
Molecular consequence: intron variant.
Genome position (GRCh38, 1-based): chr7:103,589,402, T>C on the plus strand (A>G on the coding strand, the complement: RELN is on the minus strand). VCF-style: chr7-103589402-T-C. GRCh37 (hg19) VCF-style: chr7-103229849-T-C.
Other names: c.4145+194A>G (NM_173054.3).
Identifiers: ClinVar variation 669119 (VCV000669119.1), dbSNP rs2058379, ClinGen allele CA16309860.
Genomic context (GRCh38, chr7:103,589,402, plus strand): 5'-AGTCTTTAGTATATCTGAATGTTTATGCTTGCAAAAATAAGTATTGTGTAAAGTGGCCTA[T>C]GAAGTGTTCTGTCATGTTTTTATGTTTCTCAGATAAATCCCCTTTTAAGATATAAATAAA-3'

ClinVar aggregate classification (germline): Benign (1 of 4 stars; one submission).

Allele frequency attached by ClinVar (database versions not stated): gnomAD 0.75274 and 0.75413; TOPMed 0.76234; 1000 Genomes Project 0.77077; 1000 Genomes Project 30x 0.77577.
gnomAD v4.1: 114,500 of 152,206 alleles (75%); highest among the groups gnomAD compares: African/African-American, 86%; 43,620 homozygotes.

Submission:

GeneDx
Classification: Benign. Last evaluated: 2018-06-19. Review status: criteria provided, single submitter. Criteria: GeneDx Variant Classification (06012015). Collection method: clinical testing. Allele origin: germline. Affected: yes.
Comment: This variant is considered likely benign or benign based on one or more of the following criteria: it is a conservative change, it occurs at a poorly conserved position in the protein, it is predicted to be benign by multiple in silico algorithms, and/or has population frequency not consistent with disease.